The following is an entry in ClinVar:

ClinVar aggregate classification (germline): Uncertain significance (1 of 4 stars; one submission).

Conditions:
Wilson disease (WND). Also called: Wilson's disease. Identifiers: Orphanet 905, MedGen C0019202, MONDO:0010200, OMIM 277900. Disease mechanism: loss of function.

Submission:

All of Us Research Program, National Institutes of Health
Classification: Uncertain significance for Wilson disease. Last evaluated: 2023-11-20. Review status: criteria provided, single submitter. Criteria: ACMG Guidelines, 2015. Collection method: clinical testing. Allele origin: germline. Inheritance: Autosomal recessive inheritance. Observed: 1 variant allele, 1 heterozygote.
Comment: This missense variant replaces aspartic acid with glutamic acid at codon 730 of the ATP7B protein. Computational prediction suggests that this variant may have deleterious impact on protein structure and function (internally defined REVEL score threshold >= 0.7, PMID: 27666373). To our knowledge, functional studies have not been reported for this variant. This variant has not been reported in individuals affected with ATP7B-related disorders in the literature. This variant has not been identified in the general population by the Genome Aggregation Database (gnomAD). The available evidence is insufficient to determine the role of this variant in disease conclusively. Therefore, this variant is classified as a Variant of Uncertain Significance.

This study involves interpretation of variants in research participants for the purpose of population health screening. Participant phenotype was not available at the time of variant classification. Additional details can be found in publication PMID: 35346344, PMCID: PMC8962531

NM_000053.4(ATP7B):c.2190C>G (p.Asp730Glu)

Gene: ATP7B (ATPase copper transporting beta; minus strand). Cytogenetic location: 13q14.3.
Variant type: single nucleotide variant.
Coding change: c.2190C>G on transcript NM_000053.4 (MANE Select); coding-DNA position 2190, C replaced by G.
Protein change: p.Asp730Glu; replaces aspartic acid 730 with glutamic acid.
Molecular consequence: missense variant. On other transcripts: intron variant (20).
Genome position (GRCh38, 1-based): chr13:51,958,476, G>C on the plus strand (C>G on the coding strand, the complement: ATP7B is on the minus strand). VCF-style: chr13-51958476-G-C. GRCh37 (hg19) VCF-style: chr13-52532612-G-C.
Other names: c.2190C>G, p.Asp730Glu (NM_001406535.1, NM_001406516.1, NM_001406519.1 and 7 more transcripts); c.1761C>G, p.Asp587Glu (NM_001406539.1); c.1938C>G, p.Asp646Glu (NM_001406540.1, NM_001406531.1, NM_001406532.1 and 1 more transcripts); c.1842C>G, p.Asp614Glu (NM_001406543.1); c.1870-869C>G (NM_001406541.1, NM_001005918.3, NM_001406546.1 and 1 more transcripts); c.2122-869C>G (NM_001406527.1, NM_001406528.1, NM_001406534.1 and 2 more transcripts); c.2122-76C>G (NM_001406537.1, NM_001406521.1, NM_001406522.1 and 1 more transcripts); c.1286-8315C>G (NM_001406548.1); and 8 more; short protein forms D587E, D614E, D619E, D646E, D698E, D719E, D730E.
Identifiers: ClinVar variation 3074574 (VCV003074574.1), dbSNP rs550565277, ClinGen allele CA388022874.